The following is an entry in ClinVar:

NM_012079.6(DGAT1):c.1248+2T>C

Gene: DGAT1 (diacylglycerol O-acyltransferase 1; minus strand). Cytogenetic location: 8q24.3.
Variant type: single nucleotide variant.
Coding change: c.1248+2T>C on transcript NM_012079.6 (MANE Select); the canonical splice donor site of the intron after coding-DNA position 1248, T replaced by C.
Molecular consequence: splice donor variant.
Genome position (GRCh38, 1-based): chr8:144,317,020, A>G on the plus strand (T>C on the coding strand, the complement: DGAT1 is on the minus strand). VCF-style: chr8-144317020-A-G. GRCh37 (hg19) VCF-style: chr8-145540683-A-G.
Identifiers: ClinVar variation 3652398 (VCV003652398.2).
Genomic context (GRCh38, chr8:144,317,020, plus strand): 5'-CGTCCCTGCTGTGGGCATACCCCTGCCCAGGGATGAGGCAAGATGCCCCCCAGAGCACTG[A>G]CCTCGTGGAAGAAGGCCGAGGCCAGGAACACCCCTGTCCTGGCCATCCACTTGCTGCTGC-3'

ClinVar aggregate classification (germline): Likely pathogenic (1 of 4 stars; one submission).

Submission:

Labcorp Genetics (formerly Invitae), Labcorp
Classification: Likely pathogenic. Last evaluated: 2024-05-08. Review status: criteria provided, single submitter. Criteria: Invitae Variant Classification Sherloc (09022015). Collection method: clinical testing. Allele origin: germline.
Comment: This sequence change affects a donor splice site in intron 15 of the DGAT1 gene. It is expected to disrupt RNA splicing. Variants that disrupt the donor or acceptor splice site typically lead to a loss of protein function (PMID: 16199547), and loss-of-function variants in DGAT1 are known to be pathogenic (PMID: 29604290). This variant is not present in population databases (gnomAD no frequency). This variant has not been reported in the literature in individuals affected with DGAT1-related conditions. Algorithms developed to predict the effect of sequence changes on RNA splicing suggest that this variant may disrupt the consensus splice site. In summary, the currently available evidence indicates that the variant is pathogenic, but additional data are needed to prove that conclusively. Therefore, this variant has been classified as Likely Pathogenic.

Literature cited by the submitters: PubMed 16199547; PubMed 29604290.